The following is an entry in ClinVar:

ClinVar aggregate classification (germline): Uncertain significance. Review status: criteria provided, multiple submitters, no conflicts (2 of 4 stars). 2 submissions from 2 submitters: Uncertain significance (2). Last evaluated 2024-01-31.

Conditions:
Inborn genetic diseases. Identifiers: MedGen C0950123, MeSH D030342.

Submissions (2):

Ambry Genetics
Classification: Uncertain significance for Inborn genetic diseases. Last evaluated: 2024-01-31. Review status: criteria provided, single submitter. Criteria: Ambry Variant Classification Scheme 2023. Collection method: clinical testing. Allele origin: germline.

Labcorp Genetics (formerly Invitae), Labcorp
Classification: Uncertain significance. Last evaluated: 2022-08-16. Review status: criteria provided, single submitter. Criteria: Invitae Variant Classification Sherloc (09022015). Collection method: clinical testing. Allele origin: germline.
Comment: This sequence change replaces leucine, which is neutral and non-polar, with phenylalanine, which is neutral and non-polar, at codon 308 of the TPP1 protein (p.Leu308Phe). This variant is not present in population databases (gnomAD no frequency). This variant has not been reported in the literature in individuals affected with TPP1-related conditions. Advanced modeling of protein sequence and biophysical properties (such as structural, functional, and spatial information, amino acid conservation, physicochemical variation, residue mobility, and thermodynamic stability) performed at Invitae indicates that this missense variant is expected to disrupt TPP1 protein function. In summary, the available evidence is currently insufficient to determine the role of this variant in disease. Therefore, it has been classified as a Variant of Uncertain Significance.

NM_000391.4(TPP1):c.922C>T (p.Leu308Phe)

Gene: TPP1 (tripeptidyl peptidase 1; minus strand). Cytogenetic location: 11p15.4.
Variant type: single nucleotide variant.
Coding change: c.922C>T on transcript NM_000391.4 (MANE Select); coding-DNA position 922, C replaced by T.
Protein change: p.Leu308Phe; replaces leucine 308 with phenylalanine.
Molecular consequence: missense variant.
Genome position (GRCh38, 1-based): chr11:6,616,468, G>A on the plus strand (C>T on the coding strand, the complement: TPP1 is on the minus strand). VCF-style: chr11-6616468-G-A. GRCh37 (hg19) VCF-style: chr11-6637699-G-A.
Other names: c.922C>T (NM_000391.3); short protein forms L308F.
Identifiers: ClinVar variation 2143171 (VCV002143171.2), dbSNP rs2493798445, ClinGen allele CA379474572.